The following is an entry in ClinVar:

ClinVar aggregate classification (germline): Uncertain significance. Review status: criteria provided, multiple submitters, no conflicts (2 of 4 stars). 2 submissions from 2 submitters: Uncertain significance (2). Last evaluated 2024-04-29.

Conditions:
Nephrotic syndrome, type 2 (NPHS2). Also called: NEPHROTIC SYNDROME, STEROID-RESISTANT, AUTOSOMAL RECESSIVE. Identifiers: Orphanet 656, MedGen C1868672, MONDO:0010974, OMIM 600995.

gnomAD v4.1: 1 of 1,585,240 alleles (0.000063%); highest among the groups gnomAD compares: Non-Finnish European, 0.000086%; no homozygotes.

Submissions (2):

Fulgent Genetics
Classification: Uncertain significance for Nephrotic syndrome, type 2. Last evaluated: 2024-04-29. Review status: criteria provided, single submitter. Criteria: ACMG Guidelines, 2015. Collection method: clinical testing. Allele origin: germline.

Labcorp Genetics (formerly Invitae), Labcorp
Classification: Uncertain significance. Last evaluated: 2022-08-31. Review status: criteria provided, single submitter. Criteria: Invitae Variant Classification Sherloc (09022015). Collection method: clinical testing. Allele origin: germline.
Comment: This variant has not been reported in the literature in individuals affected with NPHS2-related conditions. This variant is not present in population databases (gnomAD no frequency). This sequence change replaces proline, which is neutral and non-polar, with threonine, which is neutral and polar, at codon 175 of the NPHS2 protein (p.Pro175Thr). Advanced modeling of protein sequence and biophysical properties (such as structural, functional, and spatial information, amino acid conservation, physicochemical variation, residue mobility, and thermodynamic stability) performed at Invitae indicates that this missense variant is expected to disrupt NPHS2 protein function. In summary, the available evidence is currently insufficient to determine the role of this variant in disease. Therefore, it has been classified as a Variant of Uncertain Significance. This variant disrupts the p.Pro175 amino acid residue in NPHS2. Other variant(s) that disrupt this residue have been observed in individuals with NPHS2-related conditions (PMID: 26820844; Invitae), which suggests that this may be a clinically significant amino acid residue.

Literature cited by the submitters: PubMed 26820844 (cited by Labcorp Genetics (formerly Invitae), Labcorp).

NM_014625.4(NPHS2):c.523C>A (p.Pro175Thr)

Gene: NPHS2 (NPHS2 stomatin family member, podocin; minus strand). Cytogenetic location: 1q25.2.
Variant type: single nucleotide variant.
Coding change: c.523C>A on transcript NM_014625.4 (MANE Select); coding-DNA position 523, C replaced by A.
Protein change: p.Pro175Thr; replaces proline 175 with threonine.
Molecular consequence: missense variant.
Genome position (GRCh38, 1-based): chr1:179,559,690, G>T on the plus strand (C>A on the coding strand, the complement: NPHS2 is on the minus strand). VCF-style: chr1-179559690-G-T. GRCh37 (hg19) VCF-style: chr1-179528825-G-T.
Other names: c.523C>A, p.Pro175Thr (NM_001297575.2); short protein forms P175T.
Identifiers: ClinVar variation 2028255 (VCV002028255.5), dbSNP rs1472510122, ClinGen allele CA343568758.